The following is an entry in ClinVar:

ClinVar aggregate classification (germline): Uncertain significance (1 of 4 stars; one submission).

Conditions:
Hereditary hemorrhagic telangiectasia (HHT). Also called: ORW DISEASE; Osler Weber Rendu syndrome; OSLER-RENDU-WEBER DISEASE; Osler hemorrhagic telangiectasia syndrome. Identifiers: Orphanet 774, MedGen C0039445, MONDO:0019180. Disease mechanism: loss of function.

Submission:

Labcorp Genetics (formerly Invitae), Labcorp
Classification: Uncertain significance for Hereditary hemorrhagic telangiectasia. Last evaluated: 2024-02-15. Review status: criteria provided, single submitter. Criteria: Invitae Variant Classification Sherloc (09022015). Collection method: clinical testing. Allele origin: germline.
Comment: This sequence change replaces threonine, which is neutral and polar, with lysine, which is basic and polar, at codon 235 of the ENG protein (p.Thr235Lys). This variant is not present in population databases (gnomAD no frequency). This variant has not been reported in the literature in individuals affected with ENG-related conditions. ClinVar contains an entry for this variant (Variation ID: 864711). Advanced modeling of protein sequence and biophysical properties (such as structural, functional, and spatial information, amino acid conservation, physicochemical variation, residue mobility, and thermodynamic stability) performed at Invitae indicates that this missense variant is not expected to disrupt ENG protein function with a negative predictive value of 95%. In summary, the available evidence is currently insufficient to determine the role of this variant in disease. Therefore, it has been classified as a Variant of Uncertain Significance.

NM_001114753.3(ENG):c.704C>A (p.Thr235Lys)

Gene: ENG (endoglin; minus strand). Cytogenetic location: 9q34.11.
Variant type: single nucleotide variant.
Coding change: c.704C>A on transcript NM_001114753.3 (MANE Select); coding-DNA position 704, C replaced by A.
Protein change: p.Thr235Lys; replaces threonine 235 with lysine.
Molecular consequence: missense variant.
Genome position (GRCh38, 1-based): chr9:127,825,343, G>T on the plus strand (C>A on the coding strand, the complement: ENG is on the minus strand). VCF-style: chr9-127825343-G-T. GRCh37 (hg19) VCF-style: chr9-130587622-G-T.
Other names: c.704C>A, p.Thr235Lys (NM_000118.4, NM_001406715.1); c.158C>A, p.Thr53Lys (NM_001278138.2); short protein forms T53K, T235K.
Identifiers: ClinVar variation 864711 (VCV000864711.11), dbSNP rs1361480439, ClinGen allele CA374983446.